The following is an entry in ClinVar:

ClinVar aggregate classification (germline): Likely pathogenic (1 of 4 stars; one submission).

Conditions:
Glycine encephalopathy. Also called: Nonketotic hyperglycinemia; Non-ketotic hyperglycinemia. Identifiers: Orphanet 407, MedGen C0751748, MONDO:0011612, HP:0008288.

Submission:

Natera, Inc.
Classification: Likely pathogenic for Non-ketotic hyperglycinemia. Last evaluated: 2025-12-02. Review status: criteria provided, single submitter. Criteria: Natera Variant Classification Schema (03/2026). Collection method: clinical testing. Allele origin: germline.
Comment: The c.1694C>A variant in GLDC is a nonsense variant predicted to introduce a stop codon at amino acid 565. This variant is expected to result in nonsense mediated decay, truncation, or a dysfunctional protein product. This variant is rare in the general population with a frequency below the threshold expected for the associated phenotype(s). Given the available evidence, this variant is classified as Likely Pathogenic.

NM_000170.3(GLDC):c.1694C>A (p.Ser565Ter)

Gene: GLDC (glycine decarboxylase; minus strand). Cytogenetic location: 9p24.1.
Variant type: single nucleotide variant.
Coding change: c.1694C>A on transcript NM_000170.3 (MANE Select); coding-DNA position 1694, C replaced by A.
Protein change: p.Ser565Ter; replaces serine 565 with a stop codon.
Molecular consequence: nonsense.
Genome position (GRCh38, 1-based): chr9:6,588,414, G>T on the plus strand (C>A on the coding strand, the complement: GLDC is on the minus strand). VCF-style: chr9-6588414-G-T. GRCh37 (hg19) VCF-style: chr9-6588414-G-T.
Other names: short protein forms S565*.
Identifiers: ClinVar variation 4817854 (VCV004817854.1).